The following is an entry in ClinVar:

NM_001846.4(COL4A2):c.3982G>T (p.Ala1328Ser)

Genes: COL4A2 (collagen type IV alpha 2 chain; plus strand), COL4A2-AS1 (COL4A2 antisense RNA 1; minus strand). Cytogenetic location: 13q34.
Variant type: single nucleotide variant.
Coding change: c.3982G>T on transcript NM_001846.4 (MANE Select); coding-DNA position 3982, G replaced by T.
Protein change: p.Ala1328Ser; replaces alanine 1328 with serine.
Molecular consequence: missense variant.
Genome position (GRCh38, 1-based): chr13:110,503,225, G>T. VCF-style: chr13-110503225-G-T. GRCh37 (hg19) VCF-style: chr13-111155572-G-T.
Other names: short protein forms A1328S.
Identifiers: ClinVar variation 3000762 (VCV003000762.3), dbSNP rs1483534631, ClinGen allele CA388736123.

ClinVar aggregate classification (germline): Uncertain significance (1 of 4 stars; one submission).

Allele frequency attached by ClinVar (database versions not stated): TOPMed below 0.00001; gnomAD 0.00001.
gnomAD v4.1: 9 of 1,613,710 alleles (0.00056%); highest among the groups gnomAD compares: Non-Finnish European, 0.00076%; no homozygotes.

Submission:

Labcorp Genetics (formerly Invitae), Labcorp
Classification: Uncertain significance. Last evaluated: 2024-06-02. Review status: criteria provided, single submitter. Criteria: Invitae Variant Classification Sherloc (09022015). Collection method: clinical testing. Allele origin: germline.
Comment: This sequence change replaces alanine, which is neutral and non-polar, with serine, which is neutral and polar, at codon 1328 of the COL4A2 protein (p.Ala1328Ser). This variant is not present in population databases (gnomAD no frequency). This variant has not been reported in the literature in individuals affected with COL4A2-related conditions. Advanced modeling of protein sequence and biophysical properties (such as structural, functional, and spatial information, amino acid conservation, physicochemical variation, residue mobility, and thermodynamic stability) performed at Invitae indicates that this missense variant is not expected to disrupt COL4A2 protein function with a negative predictive value of 95%. In summary, the available evidence is currently insufficient to determine the role of this variant in disease. Therefore, it has been classified as a Variant of Uncertain Significance.